The following is an entry in ClinVar:

NM_015076.5(CDK19):c.889A>G (p.Met297Val)

Gene: CDK19 (cyclin dependent kinase 19; minus strand). Cytogenetic location: 6q21.
Variant type: single nucleotide variant.
Coding change: c.889A>G on transcript NM_015076.5 (MANE Select); coding-DNA position 889, A replaced by G.
Protein change: p.Met297Val; replaces methionine 297 with valine.
Molecular consequence: missense variant.
Genome position (GRCh38, 1-based): chr6:110,623,334, T>C on the plus strand (A>G on the coding strand, the complement: CDK19 is on the minus strand). VCF-style: chr6-110623334-T-C. GRCh37 (hg19) VCF-style: chr6-110944537-T-C.
Other names: c.757A>G, p.Met253Val (NM_001300960.2); c.709A>G, p.Met237Val (NM_001300963.2, NM_001300964.2); short protein forms M237V, M297V, M253V.
Identifiers: ClinVar variation 1393897 (VCV001393897.6), dbSNP rs777727767, ClinGen allele CA365356756.

ClinVar aggregate classification (germline): Uncertain significance (1 of 4 stars; one submission).

Allele frequency attached by ClinVar (database versions not stated): gnomAD exomes below 0.00001.
gnomAD v4.1: 1 of 1,614,030 alleles (0.000062%); highest among the groups gnomAD compares: Non-Finnish European, 0.000085%; no homozygotes.

Submission:

Labcorp Genetics (formerly Invitae), Labcorp
Classification: Uncertain significance. Last evaluated: 2024-11-22. Review status: criteria provided, single submitter. Criteria: Invitae Variant Classification Sherloc (09022015). Collection method: clinical testing. Allele origin: germline.
Comment: This sequence change replaces methionine, which is neutral and non-polar, with valine, which is neutral and non-polar, at codon 297 of the CDK19 protein (p.Met297Val). This variant is not present in population databases (gnomAD no frequency). This variant has not been reported in the literature in individuals affected with CDK19-related conditions. ClinVar contains an entry for this variant (Variation ID: 1393897). An algorithm developed to predict the effect of missense changes on protein structure and function (PolyPhen-2) suggests that this variant is likely to be disruptive. In summary, the available evidence is currently insufficient to determine the role of this variant in disease. Therefore, it has been classified as a Variant of Uncertain Significance.